The following is an entry in ClinVar:

ClinVar aggregate classification (germline): Pathogenic. Review status: criteria provided, multiple submitters, no conflicts (2 of 4 stars). 2 submissions from 2 submitters: Pathogenic (2). Last evaluated 2018-12-28.

Conditions:
Neuromuscular disease caused by qualitative or quantitative defects of dysferlin. Also called: Dysferlinopathy; Qualitative or quantitative defects of dysferlin. Identifiers: Orphanet 207073, MedGen C2931687, MONDO:0016145.

Allele frequency attached by ClinVar (database versions not stated): ExAC 0.00001; gnomAD 0.00001; 1000 Genomes Project 30x 0.00016; 1000 Genomes Project 0.00020.
gnomAD v4.1: 1 of 1,614,046 alleles (0.000062%); highest among the groups gnomAD compares: African/African-American, 0.0013%; no homozygotes.

Submissions (2):

Labcorp Genetics (formerly Invitae), Labcorp
Classification: Pathogenic for Neuromuscular disease caused by qualitative or quantitative defects of dysferlin. Last evaluated: 2018-12-28. Review status: criteria provided, single submitter. Criteria: Invitae Variant Classification Sherloc (09022015). Collection method: clinical testing. Allele origin: germline.
Comment: This sequence change affects an acceptor splice site in intron 17 of the DYSF gene. It is expected to disrupt RNA splicing and likely results in an absent or disrupted protein product. This variant is present in population databases (rs189923208, ExAC 0.01%). Disruption of this splice site has been observed in several individuals affected with dysferlinopathy (PMID: 27647186). ClinVar contains an entry for this variant (Variation ID: 285177). Donor and acceptor splice site variants typically lead to a loss of protein function (PMID: 16199547), and loss-of-function variants in DYSF are known to be pathogenic (PMID: 17698709, 20301480). For these reasons, this variant has been classified as Pathogenic.

Eurofins Ntd Llc (ga)
Classification: Pathogenic. Last evaluated: 2015-12-21. Review status: criteria provided, single submitter. Criteria: EGL Classification Definitions 2015. Collection method: clinical testing. Allele origin: germline. Observed: 1 variant allele, 1 heterozygote.

Literature cited by the submitters: PubMed 27647186 (cited by Labcorp Genetics (formerly Invitae), Labcorp); PubMed 16199547 (cited by Labcorp Genetics (formerly Invitae), Labcorp); PubMed 17698709 (cited by Labcorp Genetics (formerly Invitae), Labcorp); PubMed 20301480 (cited by Labcorp Genetics (formerly Invitae), Labcorp).

NM_001130987.2(DYSF):c.1577-1G>A

Gene: DYSF (dysferlin; plus strand). Cytogenetic location: 2p13.2.
Variant type: single nucleotide variant.
Coding change: c.1577-1G>A on transcript NM_001130987.2 (MANE Select); the canonical splice acceptor site of the intron before coding-DNA position 1577, G replaced by A.
Molecular consequence: splice acceptor variant.
Genome position (GRCh38, 1-based): chr2:71,551,040, G>A. VCF-style: chr2-71551040-G-A. GRCh37 (hg19) VCF-style: chr2-71778170-G-A.
Other names: c.1616-1G>A (NM_001130979.2); c.1574-1G>A (NM_001130981.2, NM_001130980.2); c.1523-1G>A (NM_001130978.2, NM_003494.4); c.1481-1G>A (NM_001130977.2, NM_001130976.2); c.1619-1G>A (NM_001130982.2); c.1577-1G>A (NM_001130985.2); c.1526-1G>A (NM_001130983.2, NM_001130455.2); c.1484-1G>A (NM_001130984.2, NM_001130986.2).
Identifiers: ClinVar variation 285177 (VCV000285177.13), dbSNP rs189923208, ClinGen allele CA1705868.